The following is an entry in ClinVar:

ClinVar aggregate classification (germline): Uncertain significance (1 of 4 stars; one submission).

Conditions:
Hereditary cancer-predisposing syndrome. Also called: Neoplastic Syndromes, Hereditary; Tumor predisposition; Hereditary neoplastic syndrome; Hereditary Cancer Syndrome. Identifiers: Orphanet 140162, MedGen C0027672, MeSH D009386, MONDO:0015356.

gnomAD v4.1: 1 of 1,613,938 alleles (0.000062%); highest among the groups gnomAD compares: Admixed American, 0.0017%; no homozygotes.

Submission:

Ambry Genetics
Classification: Uncertain significance for Hereditary cancer-predisposing syndrome. Last evaluated: 2023-02-03. Review status: criteria provided, single submitter. Criteria: Ambry Variant Classification Scheme 2023. Collection method: clinical testing. Allele origin: germline.
Comment: The p.H1154Q variant (also known as c.3462T>A), located in coding exon 16 of the MET gene, results from a T to A substitution at nucleotide position 3462. The histidine at codon 1154 is replaced by glutamine, an amino acid with highly similar properties. This amino acid position is conserved. In addition, this alteration is predicted to be deleterious by in silico analysis. Since supporting evidence is limited at this time, the clinical significance of this alteration remains unclear.

NM_000245.4(MET):c.3408T>A (p.His1136Gln)

Gene: MET (MET proto-oncogene, receptor tyrosine kinase; plus strand). Cytogenetic location: 7q31.2.
Variant type: single nucleotide variant.
Coding change: c.3408T>A on transcript NM_000245.4 (MANE Select); coding-DNA position 3408, T replaced by A.
Protein change: p.His1136Gln; replaces histidine 1136 with glutamine.
Molecular consequence: missense variant.
Genome position (GRCh38, 1-based): chr7:116,778,843, T>A. VCF-style: chr7-116778843-T-A. GRCh37 (hg19) VCF-style: chr7-116418897-T-A.
Other names: c.3462T>A, p.His1154Gln (NM_001127500.3); c.2118T>A, p.His706Gln (NM_001324402.2); short protein forms H706Q, H1136Q, H1154Q.
Identifiers: ClinVar variation 2453409 (VCV002453409.2), dbSNP rs202110450, ClinGen allele CA164909091.
Genomic context (GRCh38, chr7:116,778,843, plus strand): 5'-TGACATAGGAGAAGTTTCCCAATTTCTGACCGAGGGAATCATCATGAAAGATTTTAGTCA[T>A]CCCAATGTCCTCTCGCTCCTGGGAATCTGCCTGCGAAGTGAAGGGTCTCCGCTGGTGGTC-3'
Protein context (NP_000236.2, residues 1126-1146): TEGIIMKDFS[His1136Gln]PNVLSLLGIC